The following is an entry in ClinVar:

NM_032578.4(MYPN):c.2693C>T (p.Pro898Leu)

Gene: MYPN (myopalladin; plus strand). Cytogenetic location: 10q21.3.
Variant type: single nucleotide variant.
Coding change: c.2693C>T on transcript NM_032578.4 (MANE Select); coding-DNA position 2693, C replaced by T.
Protein change: p.Pro898Leu; replaces proline 898 with leucine.
Molecular consequence: missense variant. On other transcripts: non-coding transcript variant (1).
Genome position (GRCh38, 1-based): chr10:68,175,451, C>T. VCF-style: chr10-68175451-C-T. GRCh37 (hg19) VCF-style: chr10-69935208-C-T.
Other names: c.2693C>T, p.Pro898Leu (NM_001256267.2); c.1811C>T, p.Pro604Leu (NM_001256268.2); c.2693C>T (NM_032578.2); short protein forms P604L, P898L.
Identifiers: ClinVar variation 961233 (VCV000961233.6), dbSNP rs771428473, ClinGen allele CA5522842.
Genomic context (GRCh38, chr10:68,175,451, plus strand): 5'-AAACTAAGAACGCAGTGATTCGAGACTTGGGGAAAAAAATAACTTTCAGTGATGTCAGAC[C>T]AAACCAGCAGGTAAGATTGTTGGATTTAGAAGGTTTATTGAAATTTTATTGTAAGGAATT-3'
Protein context (NP_115967.2, residues 888-908): GKKITFSDVR[Pro898Leu]NQQEYKISSF

ClinVar aggregate classification (germline): Uncertain significance. Review status: criteria provided, multiple submitters, no conflicts (2 of 4 stars). 2 submissions from 2 submitters: Uncertain significance (2). Last evaluated 2025-06-10.

Conditions:
Dilated cardiomyopathy 1KK (CMD1KK). Identifiers: Orphanet 154, Orphanet 75249, MedGen C3714995, MONDO:0014100, OMIM 615248.
Cardiovascular phenotype. Identifiers: MedGen CN230736.

Allele frequency attached by ClinVar (database versions not stated): TOPMed 0.00001; ExAC 0.00001; gnomAD exomes 0.00001.

Submissions (2):

Ambry Genetics
Classification: Uncertain significance for Cardiovascular phenotype. Last evaluated: 2025-06-10. Review status: criteria provided, single submitter. Criteria: Ambry Variant Classification Scheme 2023. Collection method: clinical testing. Allele origin: germline.
Comment: The p.P898L variant (also known as c.2693C>T), located in coding exon 11 of the MYPN gene, results from a C to T substitution at nucleotide position 2693. The proline at codon 898 is replaced by leucine, an amino acid with similar properties. This amino acid position is conserved. In addition, this alteration is predicted to be tolerated by in silico analysis. Based on the available evidence, the clinical significance of this variant remains unclear.

Labcorp Genetics (formerly Invitae), Labcorp
Classification: Uncertain significance for Dilated cardiomyopathy 1KK. Last evaluated: 2022-08-09. Review status: criteria provided, single submitter. Criteria: Invitae Variant Classification Sherloc (09022015). Collection method: clinical testing. Allele origin: germline.
Comment: This sequence change replaces proline, which is neutral and non-polar, with leucine, which is neutral and non-polar, at codon 898 of the MYPN protein (p.Pro898Leu). The frequency data for this variant in the population databases is considered unreliable, as metrics indicate poor data quality at this position in the gnomAD database. This variant has not been reported in the literature in individuals affected with MYPN-related conditions. ClinVar contains an entry for this variant (Variation ID: 961233). Algorithms developed to predict the effect of missense changes on protein structure and function output the following: SIFT: "Tolerated"; PolyPhen-2: "Benign"; Align-GVGD: "Class C0". The leucine amino acid residue is found in multiple mammalian species, which suggests that this missense change does not adversely affect protein function. In summary, the available evidence is currently insufficient to determine the role of this variant in disease. Therefore, it has been classified as a Variant of Uncertain Significance.